The following is an entry in ClinVar:

ClinVar aggregate classification (germline): Likely benign (0 of 4 stars; one submission).

Conditions:
MUC16-related disorder. Also called: MUC16-related condition.

Submission:

PreventionGenetics, part of Exact Sciences
Classification: Likely benign for MUC16-related condition. Last evaluated: 2019-10-21. Review status: no assertion criteria provided. Collection method: clinical testing. Allele origin: germline.
Comment: This variant is classified as likely benign based on ACMG/AMP sequence variant interpretation guidelines (Richards et al. 2015 PMID: 25741868, with internal and published modifications).

NM_001401501.2(MUC16):c.44244T>C (p.Gly14748=)

Gene: MUC16 (mucin 16, cell surface associated; minus strand). Cytogenetic location: 19p13.2.
Variant type: single nucleotide variant.
Coding change: c.44244T>C on transcript NM_001401501.2 (MANE Select); coding-DNA position 44244, T replaced by C.
Protein change: p.Gly14748=; no amino-acid change (glycine 14748 retained).
Molecular consequence: synonymous variant.
Genome position (GRCh38, 1-based): chr19:8,882,365, A>G on the plus strand (T>C on the coding strand, the complement: MUC16 is on the minus strand). VCF-style: chr19-8882365-A-G. GRCh37 (hg19) VCF-style: chr19-8993041-A-G.
Other names: c.44670T>C, p.Gly14890= (NM_001414686.1); c.44124T>C, p.Gly14708= (NM_001414687.1); c.41718T>C, p.Gly13906= (NM_024690.2).
Identifiers: ClinVar variation 3056381 (VCV003056381.2), dbSNP rs796540521, ClinGen allele CA305055298.